The following is an entry in ClinVar:

ClinVar aggregate classification (germline): Likely benign. Review status: criteria provided, multiple submitters, no conflicts (2 of 4 stars). 3 submissions from 3 submitters: Likely benign (2). 1 of the submissions does not count toward it. Last evaluated 2024-11-11.

Conditions:
ZNF407-related disorder. Also called: ZNF407-related condition.

Allele frequency attached by ClinVar (database versions not stated): gnomAD exomes 0.00028 and 0.00053; gnomAD 0.00168 and 0.00156; 1000 Genomes Project 0.00160; 1000 Genomes Project 30x 0.00172; TOPMed 0.00205; ExAC 0.00056; ESP Exome Variant Server 0.00183.
gnomAD v4.1: 676 of 1,614,000 alleles (0.042%); highest among the groups gnomAD compares: African/African-American, 0.51%; no homozygotes.

Submissions (3):

Women's Health and Genetics/Laboratory Corporation of America, LabCorp
Classification: Likely benign. Last evaluated: 2024-11-11. Review status: criteria provided, single submitter. Criteria: LabCorp Variant Classification Summary - May 2015. Collection method: clinical testing. Allele origin: germline.
Comment: Variant summary: ZNF407 c.317T>A (p.Ile106Asn) results in a non-conservative amino acid change in the encoded protein sequence. Three of four in-silico tools predict a benign effect of the variant on protein function. The variant allele was found at a frequency of 0.00053 in 249226 control chromosomes, predominantly at a frequency of 0.0048 within the African or African-American subpopulation in the gnomAD database. The observed variant frequency within African or African-American control individuals in the gnomAD database exceeds the estimated maximal expected allele frequency for a pathogenic variant in ZNF407 causing ZNF407-Related Disorders phenotype. To our knowledge, no occurrence of c.317T>A in individuals affected with ZNF407-Related Disorders and no experimental evidence demonstrating its impact on protein function have been reported. ClinVar contains an entry for this variant (Variation ID: 724116). Based on the evidence outlined above, the variant was classified as likely benign.

Labcorp Genetics (formerly Invitae), Labcorp
Classification: Likely benign. Last evaluated: 2018-05-15. Review status: criteria provided, single submitter. Criteria: Invitae Variant Classification Sherloc (09022015). Collection method: clinical testing. Allele origin: germline.

PreventionGenetics, part of Exact Sciences
Classification: Likely benign for ZNF407-related condition. Last evaluated: 2021-06-29. Review status: no assertion criteria provided. Collection method: clinical testing. Allele origin: germline. Not counted in ClinVar's aggregate classification.
Comment: This variant is classified as likely benign based on ACMG/AMP sequence variant interpretation guidelines (Richards et al. 2015 PMID: 25741868, with internal and published modifications).

NM_017757.3(ZNF407):c.317T>A (p.Ile106Asn)

Gene: ZNF407 (zinc finger protein 407; plus strand). Cytogenetic location: 18q22.3.
Variant type: single nucleotide variant.
Coding change: c.317T>A on transcript NM_017757.3 (MANE Select); coding-DNA position 317, T replaced by A.
Protein change: p.Ile106Asn; replaces isoleucine 106 with asparagine.
Molecular consequence: missense variant.
Genome position (GRCh38, 1-based): chr18:74,631,336, T>A. VCF-style: chr18-74631336-T-A. GRCh37 (hg19) VCF-style: chr18-72343292-T-A.
Other names: c.317T>A, p.Ile106Asn (NM_001146189.1, NM_001146190.1, NM_001384475.1); short protein forms I106N.
Identifiers: ClinVar variation 724116 (VCV000724116.6), dbSNP rs200523805, ClinGen allele CA9000171.